The following is an entry in ClinVar:

ClinVar aggregate classification (germline): Benign/Likely benign. Review status: criteria provided, single submitter (1 of 4 stars). 2 submissions from 1 submitter: Benign (1); Likely benign (1). Last evaluated 2018-01-12.

Conditions:
Pseudohypoaldosteronism, type IB1, autosomal recessive. Also called: Pseudohypoaldosteronism, Type I, Autosomal Recessive; PHA I, AUTOSOMAL RECESSIVE; Pseudohypoaldosteronism, Type I, Recessive; Autosomal recessive pseudohypoaldosteronism type 1. Identifiers: Orphanet 171876, Orphanet 756, MedGen C5774176, MONDO:0009917, OMIM 264350.
Bronchiectasis with or without elevated sweat chloride 2 (BESC2). Identifiers: Orphanet 60033, MedGen C2751666, MONDO:0013087, OMIM 613021.

Allele frequency attached by ClinVar (database versions not stated): 1000 Genomes Project 0.00319; gnomAD 0.00320 and 0.00349; TOPMed 0.00321; 1000 Genomes Project 30x 0.00359.

Submissions (2):

Illumina Laboratory Services, Illumina
Classification: Benign for Bronchiectasis with or without elevated sweat chloride 2. Last evaluated: 2018-01-12. Review status: criteria provided, single submitter. Criteria: ICSL Variant Classification Criteria 13 December 2019. Collection method: clinical testing. Allele origin: germline.
Comment: This variant was observed in the ICSL laboratory as part of a predisposition screen in an ostensibly healthy population. It had not been previously curated by ICSL or reported in the Human Gene Mutation Database (HGMD: prior to June 1st, 2018), and was therefore a candidate for classification through an automated scoring system. Utilizing variant allele frequency, disease prevalence and penetrance estimates, and inheritance mode, an automated score was calculated to assess if this variant is too frequent to cause the disease. Based on the score and internal cut-off values, a variant classified as benign is not then subjected to further curation. The score for this variant resulted in a classification of benign for this disease.

Illumina Laboratory Services, Illumina
Classification: Likely benign for Pseudohypoaldosteronism, type IB1, autosomal recessive. Last evaluated: 2018-01-12. Review status: criteria provided, single submitter. Criteria: ICSL Variant Classification Criteria 13 December 2019. Collection method: clinical testing. Allele origin: germline.
Comment: This variant was observed in the ICSL laboratory as part of a predisposition screen in an ostensibly healthy population. It had not been previously curated by ICSL or reported in the Human Gene Mutation Database (HGMD: prior to June 1st, 2018), and was therefore a candidate for classification through an automated scoring system. Utilizing variant allele frequency, disease prevalence and penetrance estimates, and inheritance mode, an automated score was calculated to assess if this variant is too frequent to cause the disease. Based on the score and internal cut-off values, a variant classified as likely benign is not then subjected to further curation. The score for this variant resulted in a classification of likely benign for this disease.

NM_001038.6(SCNN1A):c.*920C>T

Gene: SCNN1A (sodium channel epithelial 1 subunit alpha; minus strand). Cytogenetic location: 12p13.31.
Variant type: single nucleotide variant.
Coding change: c.*920C>T on transcript NM_001038.6 (MANE Select); 920 bases downstream of the stop codon, C replaced by T.
Molecular consequence: 3 prime UTR variant.
Genome position (GRCh38, 1-based): chr12:6,346,953, G>A on the plus strand (C>T on the coding strand, the complement: SCNN1A is on the minus strand). VCF-style: chr12-6346953-G-A. GRCh37 (hg19) VCF-style: chr12-6456119-G-A.
Other names: c.*920C>T (NM_001159575.2, NM_001159576.2).
Identifiers: ClinVar variation 310118 (VCV000310118.5), dbSNP rs72657532, ClinGen allele CA10633444.